The following is an entry in ClinVar:

ClinVar aggregate classification (germline): Uncertain significance (1 of 4 stars; one submission).

gnomAD v4.1: 7 of 1,606,926 alleles (0.00044%); highest among the groups gnomAD compares: African/African-American, 0.0094%; no homozygotes.

Submission:

Women's Health and Genetics/Laboratory Corporation of America, LabCorp
Classification: Uncertain significance. Last evaluated: 2025-05-13. Review status: criteria provided, single submitter. Criteria: LabCorp Variant Classification Summary - May 2015. Collection method: clinical testing. Allele origin: germline.
Comment: Variant summary: SMARCA2 c.2375T>A (p.Phe792Tyr) results in a conservative amino acid change located in the Helicase superfamily 1/2, ATP-binding domain (IPR014001) of the encoded protein sequence. Algorithms developed to predict the effect of missense changes on protein structure and function are either unavailable or do not agree on the potential impact of this missense change. The variant allele was found at a frequency of 1.2e-05 in 247764 control chromosomes (gnomAD). The available data on variant occurrences in the general population are insufficient to allow any conclusion about variant significance. To our knowledge, no occurrence of c.2375T>A in individuals affected with Nicolaides-Baraitser Syndrome and no experimental evidence demonstrating its impact on protein function have been reported. ClinVar contains an entry for this variant (Variation ID: 3336343). Based on the evidence outlined above, the variant was classified as uncertain significance.

NM_003070.5(SMARCA2):c.2375T>A (p.Phe792Tyr)

Gene: SMARCA2 (SWI/SNF related BAF chromatin remodeling complex subunit ATPase 2; plus strand). Cytogenetic location: 9p24.3.
Variant type: single nucleotide variant.
Coding change: c.2375T>A on transcript NM_003070.5 (MANE Select); coding-DNA position 2375, T replaced by A.
Protein change: p.Phe792Tyr; replaces phenylalanine 792 with tyrosine.
Molecular consequence: missense variant.
Genome position (GRCh38, 1-based): chr9:2,083,373, T>A. VCF-style: chr9-2083373-T-A. GRCh37 (hg19) VCF-style: chr9-2083373-T-A.
Other names: c.2375T>A, p.Phe792Tyr (NM_001289396.2, NM_001289397.2, NM_139045.4); short protein forms F792Y.
Identifiers: ClinVar variation 3336343 (VCV003336343.2).